The following is an entry in ClinVar:

NM_022114.4(PRDM16):c.347T>C (p.Val116Ala)

Gene: PRDM16 (PR/SET domain 16; plus strand). Cytogenetic location: 1p36.32.
Variant type: single nucleotide variant.
Coding change: c.347T>C on transcript NM_022114.4 (MANE Select); coding-DNA position 347, T replaced by C.
Protein change: p.Val116Ala; replaces valine 116 with alanine.
Molecular consequence: missense variant.
Genome position (GRCh38, 1-based): chr1:3,186,434, T>C. VCF-style: chr1-3186434-T-C. GRCh37 (hg19) VCF-style: chr1-3102998-T-C.
Other names: c.347T>C, p.Val116Ala (NM_199454.3); short protein forms V116A.
Identifiers: ClinVar variation 391742 (VCV000391742.2), dbSNP rs1057524218, ClinGen allele CA16603695.

ClinVar aggregate classification (germline): Uncertain significance (1 of 4 stars; one submission).

Submission:

GeneDx
Classification: Uncertain significance. Last evaluated: 2016-12-16. Review status: criteria provided, single submitter. Criteria: GeneDx Variant Classification (06012015). Collection method: clinical testing. Allele origin: germline. Affected: yes.
Comment: A variant of uncertain significance has been identified in the PRDM16 gene. The V116A variant has not been published as a pathogenic variant, nor has it been reported as a benign variant to our knowledge. The V116A variant was not observed in approximately 6,000 individuals of European and African American ancestry in the NHLBI Exome Sequencing Project, indicating it is not a common benign variant in these populations. However, V116A is a conservative amino acid substitution, which is not likely to impact secondary protein structure as these residues share similar properties. Additionally, this substitution occurs at a position that is not conserved across species and in silico analysis predicts this variant likely does not alter the protein structure/function.Therefore, based on the currently available information, it is unclear whether this variant is pathogenic or rare benign.